The following is an entry in ClinVar:

NM_015259.6(ICOSLG):c.839G>A (p.Arg280Gln)

Gene: ICOSLG (inducible T cell costimulator ligand; minus strand). Cytogenetic location: 21q22.3.
Variant type: single nucleotide variant.
Coding change: c.839G>A on transcript NM_015259.6 (MANE Select); coding-DNA position 839, G replaced by A.
Protein change: p.Arg280Gln; replaces arginine 280 with glutamine.
Molecular consequence: missense variant.
Genome position (GRCh38, 1-based): chr21:44,231,303, C>T on the plus strand (G>A on the coding strand, the complement: ICOSLG is on the minus strand). VCF-style: chr21-44231303-C-T. GRCh37 (hg19) VCF-style: chr21-45651186-C-T.
Other names: c.839G>A (NM_015259.4); c.839G>A, p.Arg280Gln (NM_001283050.2); c.488G>A, p.Arg163Gln (NM_001283051.2); c.584G>A, p.Arg195Gln (NM_001283052.2); c.758G>A, p.Arg253Gln (NM_001365759.2); short protein forms R163Q, R195Q, R253Q, R280Q.
Identifiers: ClinVar variation 1422430 (VCV001422430.7), dbSNP rs371137163, ClinGen allele CA321495726.

ClinVar aggregate classification (germline): Uncertain significance. Review status: criteria provided, multiple submitters, no conflicts (2 of 4 stars). 2 submissions from 2 submitters: Uncertain significance (2). Last evaluated 2025-09-17.

Allele frequency attached by ClinVar (database versions not stated): ExAC 0.00004; gnomAD exomes 0.00005; ESP Exome Variant Server 0.00016.

Submissions (2):

Labcorp Genetics (formerly Invitae), Labcorp
Classification: Uncertain significance. Last evaluated: 2025-09-17. Review status: criteria provided, single submitter. Criteria: Invitae Variant Classification Sherloc (09022015). Collection method: clinical testing. Allele origin: germline.
Comment: This sequence change replaces arginine, which is basic and polar, with glutamine, which is neutral and polar, at codon 280 of the ICOSLG protein (p.Arg280Gln). This variant is present in population databases (rs371137163, gnomAD 0.009%). This variant has not been reported in the literature in individuals affected with ICOSLG-related conditions. ClinVar contains an entry for this variant (Variation ID: 1422430). An algorithm developed to predict the effect of missense changes on protein structure and function (PolyPhen-2) suggests that this variant is likely to be disruptive. In summary, the available evidence is currently insufficient to determine the role of this variant in disease. Therefore, it has been classified as a Variant of Uncertain Significance.

Ambry Genetics
Classification: Uncertain significance. Last evaluated: 2024-11-26. Review status: criteria provided, single submitter. Criteria: Ambry Variant Classification Scheme 2023. Collection method: clinical testing. Allele origin: germline.